The following is an entry in ClinVar:

NM_002109.6(HARS1):c.352_375del (p.Lys118_Leu125del)

Gene: HARS1 (histidyl-tRNA synthetase 1; minus strand). Cytogenetic location: 5q31.3.
Variant type: Deletion.
Coding change: c.352_375del on transcript NM_002109.6 (MANE Select); coding-DNA positions 352 to 375, 24 bases deleted (AAGGACCAGGGCGGGGAGCTCCTG).
Protein change: p.Lys118_Leu125del.
Molecular consequence: inframe deletion. On other transcripts: intron variant (2).
Genome position (GRCh38, 1-based): chr5:140,679,809-140,679,832, CAGGAGCTCCCCGCCCTGGTCCTT deleted on the plus strand (AAGGACCAGGGCGGGGAGCTCCTG on the coding strand, the reverse complement: HARS1 is on the minus strand); deleting any 24 consecutive bases within chr5:140,679,809-140,679,836 gives the same sequence; the c. name uses the placement nearest the transcript's 3' end. VCF-style (leftmost placement, unchanged base first): chr5-140679808-ACAGGAGCTCCCCGCCCTGGTCCTT-A. GRCh37 (hg19) VCF-style: chr5-140059393-ACAGGAGCTCCCCGCCCTGGTCCTT-A.
Other names: c.232_255del, p.Lys78_Leu85del (NM_001258040.3, NM_001258042.3); c.352_375del, p.Lys118_Leu125del (NM_001258041.3); c.265_288del, p.Lys89_Leu96del (NM_001289094.2); c.181-1817_181-1794del (NM_001289093.2); c.301-1817_301-1794del (NM_001289092.2).
Identifiers: ClinVar variation 1680353 (VCV001680353.8), dbSNP rs2149827873, ClinGen allele CA2573139042.
Genomic context (GRCh38, chr5:140,679,808, plus strand): 5'-ATCCATCCAAAGTCTCAAGAGCCCAAGTTTAGAAAGATACAGTGAGGTCATAGCGAAGGG[ACAGGAGCTCCCCGCCCTGGTCCTT>A]CAGGTCATAGATAAGCTTGGAGTCTTCCCCATACTTTCCCATCAGTGTTTCCTGGAGAAA-3'

ClinVar aggregate classification (germline): Uncertain significance (1 of 4 stars; one submission).

Conditions:
Usher syndrome type 3B. Also called: USHER SYNDROME, TYPE IIIB. Identifiers: MedGen C3281066, MONDO:0013788, OMIM 614504.

Submission:

Labcorp Genetics (formerly Invitae), Labcorp
Classification: Uncertain significance for Usher syndrome type 3B. Last evaluated: 2022-06-13. Review status: criteria provided, single submitter. Criteria: Invitae Variant Classification Sherloc (09022015). Collection method: clinical testing. Allele origin: germline.
Comment: This variant, c.352_375del, results in the deletion of 8 amino acid(s) of the HARS protein (p.Lys118_Leu125del), but otherwise preserves the integrity of the reading frame. In summary, the available evidence is currently insufficient to determine the role of this variant in disease. Therefore, it has been classified as a Variant of Uncertain Significance. Algorithms developed to predict the effect of sequence changes on RNA splicing suggest that this variant may disrupt the consensus splice site. Experimental studies and prediction algorithms are not available or were not evaluated, and the functional significance of this variant is currently unknown. This variant has not been reported in the literature in individuals affected with HARS-related conditions. This variant is not present in population databases (gnomAD no frequency).